The following is an entry in ClinVar:

ClinVar aggregate classification (germline): Benign/Likely benign. Review status: criteria provided, multiple submitters, no conflicts (2 of 4 stars). 4 submissions from 4 submitters: Benign (2); Likely benign (2). Last evaluated 2026-01-11.

Allele frequency attached by ClinVar (database versions not stated): gnomAD exomes 0.00029 and 0.00059; ExAC 0.00061; gnomAD 0.00111 and 0.00115; 1000 Genomes Project 0.00120; TOPMed 0.00122; ESP Exome Variant Server 0.00123; 1000 Genomes Project 30x 0.00125.

Submissions (4):

Labcorp Genetics (formerly Invitae), Labcorp
Classification: Benign. Last evaluated: 2026-01-11. Review status: criteria provided, single submitter. Criteria: Invitae Variant Classification Sherloc (09022015). Collection method: clinical testing. Allele origin: germline.

CeGaT Center for Human Genetics Tuebingen
Classification: Likely benign. Last evaluated: 2026-01-01. Review status: criteria provided, single submitter. Criteria: CeGaT Center For Human Genetics Tuebingen Variant Classification Criteria Version 2. Collection method: clinical testing. Allele origin: germline. Affected: yes. Observed: 1 variant allele.
Comment: ABL1: BP4, BP7, BS1

Blueprint Genetics
Classification: Likely benign. Last evaluated: 2024-11-19. Review status: criteria provided, single submitter. Criteria: ACMG Guidelines, 2015. Collection method: clinical testing. Allele origin: germline.

Breakthrough Genomics
Classification: Benign. Review status: criteria provided, single submitter. Criteria: ACMG Guidelines, 2015. Collection method: not provided. Allele origin: germline. Inheritance: Autosomal dominant inheritance. Affected: yes.

NM_005157.6(ABL1):c.1512C>T (p.Asp504=)

Gene: ABL1 (ABL proto-oncogene 1, non-receptor tyrosine kinase; plus strand). Cytogenetic location: 9q34.12.
Variant type: single nucleotide variant.
Coding change: c.1512C>T on transcript NM_005157.6 (MANE Select); coding-DNA position 1512, C replaced by T.
Protein change: p.Asp504=; no amino-acid change (aspartic acid 504 retained).
Molecular consequence: synonymous variant.
Genome position (GRCh38, 1-based): chr9:130,880,156, C>T. VCF-style: chr9-130880156-C-T. GRCh37 (hg19) VCF-style: chr9-133755543-C-T.
Other names: c.1569C>T, p.Asp523= (NM_007313.3).
Identifiers: ClinVar variation 1551522 (VCV001551522.14), dbSNP rs145352772, ClinGen allele CA5285455.